The following is an entry in ClinVar:

ClinVar aggregate classification (germline): Uncertain significance (1 of 4 stars; one submission).

Conditions:
Hereditary cancer-predisposing syndrome. Also called: Neoplastic Syndromes, Hereditary; Tumor predisposition; Hereditary neoplastic syndrome; Hereditary Cancer Syndrome. Identifiers: Orphanet 140162, MedGen C0027672, MeSH D009386, MONDO:0015356.

gnomAD v4.1: 3 of 1,613,814 alleles (0.00019%); highest among the groups gnomAD compares: African/African-American, 0.0013%; no homozygotes.

Submission:

Ambry Genetics
Classification: Uncertain significance for Hereditary cancer-predisposing syndrome. Last evaluated: 2026-08-31. Review status: criteria provided, single submitter. Criteria: Ambry Variant Classification Scheme 2023. Collection method: clinical testing. Allele origin: germline.
Comment: The p.T94K variant (also known as c.281C>A), located in coding exon 3 of the XRCC2 gene, results from a C to A substitution at nucleotide position 281. The threonine at codon 94 is replaced by lysine, an amino acid with similar properties. This amino acid position is conserved. In addition, the in silico prediction for this alteration is inconclusive. Based on the available evidence, the clinical significance of this variant remains unclear.

NM_005431.2(XRCC2):c.281C>A (p.Thr94Lys)

Gene: XRCC2 (X-ray repair cross complementing 2; minus strand). Cytogenetic location: 7q36.1.
Variant type: single nucleotide variant.
Coding change: c.281C>A on transcript NM_005431.2 (MANE Select); coding-DNA position 281, C replaced by A.
Protein change: p.Thr94Lys; replaces threonine 94 with lysine.
Molecular consequence: missense variant.
Genome position (GRCh38, 1-based): chr7:152,649,204, G>T on the plus strand (C>A on the coding strand, the complement: XRCC2 is on the minus strand). VCF-style: chr7-152649204-G-T. GRCh37 (hg19) VCF-style: chr7-152346289-G-T.
Other names: short protein forms T94K.
Identifiers: ClinVar variation 5032092 (VCV005032092.1).